The following is an entry in ClinVar:

NM_000051.4(ATM):c.3704del (p.Pro1235fs)

Gene: ATM (ATM serine/threonine kinase; plus strand). Cytogenetic location: 11q22.3.
Variant type: Deletion.
Coding change: c.3704del on transcript NM_000051.4 (MANE Select); coding-DNA position 3704, one base deleted (C; older notation c.3704delC).
Protein change: p.Pro1235fs; shifts the reading frame from proline 1235.
Molecular consequence: frameshift variant.
Genome position (GRCh38, 1-based): chr11:108,282,837, C deleted; the last of 2 consecutive C bases (chr11:108,282,836-108,282,837); deleting either gives the same sequence. VCF-style (leftmost placement, unchanged base first): chr11-108282835-TC-T. GRCh37 (hg19) VCF-style: chr11-108153562-TC-T.
Other names: c.3704del, p.Pro1235fs (NM_001351834.2); c.3704delC (NM_000051.3); short protein forms P1235fs.
Identifiers: ClinVar variation 230232 (VCV000230232.5), dbSNP rs876658455, ClinGen allele CA10579120.

ClinVar aggregate classification (germline): Pathogenic (1 of 4 stars; one submission).

Conditions:
Hereditary cancer-predisposing syndrome. Also called: Hereditary neoplastic syndrome; Hereditary Cancer Syndrome; Neoplastic Syndromes, Hereditary; Tumor predisposition. Identifiers: Orphanet 140162, MedGen C0027672, MeSH D009386, MONDO:0015356.

Submission:

Ambry Genetics
Classification: Pathogenic for Hereditary cancer-predisposing syndrome. Last evaluated: 2015-01-29. Review status: criteria provided, single submitter. Criteria: Ambry Variant Classification Scheme 2023. Collection method: clinical testing. Allele origin: germline.
Comment: The c.3704delC pathogenic mutation, located in coding exon 24 of the ATM gene, results from a deletion of one nucleotide at position 3704, causing a translational frameshift with a predicted alternate stop codon. Since frameshifts are typically deleterious in nature, this alteration is interpreted as a disease-causing mutation (ACMG Recommendations for Standards for Interpretation and Reporting of Sequence Variations. Revision 2007. Genet Med. 2008;10:294).